The following is an entry in ClinVar:

NM_001009944.3(PKD1):c.4957dup (p.Gln1653fs)

Gene: PKD1 (polycystin 1, transient receptor potential channel interacting; minus strand). Cytogenetic location: 16p13.3.
Variant type: Duplication.
Coding change: c.4957dup on transcript NM_001009944.3 (MANE Select); coding-DNA position 4957, one base duplicated (C; older notation c.4957dupC).
Protein change: p.Gln1653fs; shifts the reading frame from glutamine 1653.
Molecular consequence: frameshift variant.
Genome position (GRCh38, 1-based): chr16:2,110,210, G duplicated on the plus strand (C on the coding strand, the reverse complement: PKD1 is on the minus strand). VCF-style (leftmost placement, unchanged base first): chr16-2110209-T-TG. GRCh37 (hg19) VCF-style: chr16-2160210-T-TG.
Other names: c.4957dup, p.Gln1653fs (NM_000296.4); c.4957dupC (NM_001009944.3); short protein forms Q1653fs.
Identifiers: ClinVar variation 3896047 (VCV003896047.1).
Genomic context (GRCh38, chr16:2,110,209, plus strand): 5'-CCCCTGTCCCTCCAGGCAGTCCAGCTGTAGGAGACGTTGGTGCCATCCCTAACCACGGCC[T>TG]GCAGCTGTACCGTGTGGTTGGTGGGGAAGTAGCGGCCACCGCCCACCACCTGCAGCCCCT-3'

ClinVar aggregate classification (germline): Pathogenic (1 of 4 stars; one submission).

Conditions:
PKD1-Biallelic Autosomal Recessive Polycystic Kidney Disease.

Submission:

Women's Health and Genetics/Laboratory Corporation of America, LabCorp
Classification: Pathogenic for PKD1-Biallelic Autosomal Recessive Polycystic Kidney Disease. Last evaluated: 2025-03-21. Review status: criteria provided, single submitter. Criteria: LabCorp Variant Classification Summary - May 2015. Collection method: clinical testing. Allele origin: germline.
Comment: Variant summary: PKD1 c.4957dupC (p.Gln1653ProfsX5) results in a premature termination codon, predicted to cause a truncation of the encoded protein or absence of the protein due to nonsense mediated decay, which are commonly known mechanisms for disease. The variant was absent in 248316 control chromosomes (gnomAD). To our knowledge, no occurrence of c.4957dupC in individuals affected with PKD1-Biallelic Autosomal Recessive Polycystic Kidney Disease and no experimental evidence demonstrating its impact on protein function have been reported. No submitters have cited clinical-significance assessments for this variant to ClinVar. Based on the evidence outlined above, the variant was classified as pathogenic.